The following is an entry in ClinVar:

NM_181552.4(CUX1):c.4140C>T (p.Thr1380=)

Gene: CUX1 (cut like homeobox 1; plus strand). Cytogenetic location: 7q22.1.
Variant type: single nucleotide variant.
Coding change: c.4140C>T on transcript NM_181552.4 (MANE Select); coding-DNA position 4140, C replaced by T.
Protein change: p.Thr1380=; no amino-acid change (threonine 1380 retained).
Molecular consequence: synonymous variant. On other transcripts: intron variant (5).
Genome position (GRCh38, 1-based): chr7:102,248,664, C>T. VCF-style: chr7-102248664-C-T. GRCh37 (hg19) VCF-style: chr7-101891944-C-T.
Other names: c.4173C>T, p.Thr1391= (NM_001202543.2); c.1256-24702C>T (NM_001913.5); c.1250-24702C>T (NM_181500.4); c.1118-24702C>T (NM_001202545.3); c.1208-24702C>T (NM_001202544.3); c.1139-24702C>T (NM_001202546.3).
Identifiers: ClinVar variation 3771039 (VCV003771039.13).

ClinVar aggregate classification (germline): Likely benign (1 of 4 stars; one submission).

gnomAD v4.1: 54 of 1,336,452 alleles (0.004%); highest among the groups gnomAD compares: Middle Eastern, 0.086%; 2 homozygotes.

Submission:

CeGaT Center for Human Genetics Tuebingen
Classification: Likely benign. Last evaluated: 2025-02-01. Review status: criteria provided, single submitter. Criteria: CeGaT Center For Human Genetics Tuebingen Variant Classification Criteria Version 2. Collection method: clinical testing. Allele origin: germline. Affected: yes. Observed: 1 variant allele.
Comment: CUX1: BP4, BP7